The following is an entry in ClinVar:

ClinVar aggregate classification (germline): Uncertain significance (1 of 4 stars; one submission).

Submission:

Ambry Genetics
Classification: Uncertain significance. Last evaluated: 2022-08-16. Review status: criteria provided, single submitter. Criteria: Ambry Variant Classification Scheme 2023. Collection method: clinical testing. Allele origin: germline.
Comment: The p.K783R variant (also known as c.2348A>G), located in coding exon 15 of the POLQ gene, results from an A to G substitution at nucleotide position 2348. The lysine at codon 783 is replaced by arginine, an amino acid with highly similar properties. This amino acid position is conserved. In addition, this alteration is predicted to be tolerated by in silico analysis. Since supporting evidence is limited at this time, the clinical significance of this alteration remains unclear.

NM_199420.4(POLQ):c.2348A>G (p.Lys783Arg)

Gene: POLQ (DNA polymerase theta; minus strand). Cytogenetic location: 3q13.33.
Variant type: single nucleotide variant.
Coding change: c.2348A>G on transcript NM_199420.4 (MANE Select); coding-DNA position 2348, A replaced by G.
Protein change: p.Lys783Arg; replaces lysine 783 with arginine.
Molecular consequence: missense variant.
Genome position (GRCh38, 1-based): chr3:121,493,652, T>C on the plus strand (A>G on the coding strand, the complement: POLQ is on the minus strand). VCF-style: chr3-121493652-T-C. GRCh37 (hg19) VCF-style: chr3-121212499-T-C.
Other names: short protein forms K783R.
Identifiers: ClinVar variation 1789943 (VCV001789943.2), dbSNP rs2546790816, ClinGen allele CA354108123.